The following is an entry in ClinVar:

NM_000384.3(APOB):c.11918A>G (p.Lys3973Arg)

Gene: APOB (apolipoprotein B; minus strand). Cytogenetic location: 2p24.1.
Variant type: single nucleotide variant.
Coding change: c.11918A>G on transcript NM_000384.3 (MANE Select); coding-DNA position 11918, A replaced by G.
Protein change: p.Lys3973Arg; replaces lysine 3973 with arginine.
Molecular consequence: missense variant.
Genome position (GRCh38, 1-based): chr2:21,004,438, T>C on the plus strand (A>G on the coding strand, the complement: APOB is on the minus strand). VCF-style: chr2-21004438-T-C. GRCh37 (hg19) VCF-style: chr2-21227310-T-C.
Other names: short protein forms K3973R.
Identifiers: ClinVar variation 1442726 (VCV001442726.6), dbSNP rs2103349587, ClinGen allele CA345975854.

ClinVar aggregate classification (germline): Uncertain significance (1 of 4 stars; one submission).

Conditions:
Familial hypobetalipoproteinemia 1. Also called: APOB-Related Familial Hypobetalipoproteinemia; Hypobetalipoproteinemia, normotriglyceridemic; Acanthocytosis with hypobetalipoproteinemia. Identifiers: MedGen C4551990, MONDO:0014252, OMIM 615558.
Hypercholesterolemia, autosomal dominant, type B (FHCL2). Also called: Familial Hypercholesterolemia Type B; APOLIPOPROTEIN B-100, FAMILIAL DEFECTIVE; APOLIPOPROTEIN B-100, FAMILIAL LIGAND-DEFECTIVE; HYPERCHOLESTEROLEMIA, FAMILIAL, DUE TO LIGAND-DEFECTIVE APOLIPOPROTEIN B; Familial hypercholesterolemia 2; Hyperlipoproteinemia Type IIb. Identifiers: MedGen C1704417, MONDO:0007751, OMIM 144010.

Allele frequency attached by ClinVar (database versions not stated): gnomAD exomes below 0.00001.
gnomAD v4.1: 2 of 1,614,014 alleles (0.00012%); highest among the groups gnomAD compares: Non-Finnish European, 0.00017%; no homozygotes.

Submission:

Labcorp Genetics (formerly Invitae), Labcorp
Classification: Uncertain significance for Familial hypobetalipoproteinemia 1; Hypercholesterolemia, autosomal dominant, type B. Last evaluated: 2025-10-05. Review status: criteria provided, single submitter. Criteria: Invitae Variant Classification Sherloc (09022015). Collection method: clinical testing. Allele origin: germline.
Comment: This sequence change replaces lysine, which is basic and polar, with arginine, which is basic and polar, at codon 3973 of the APOB protein (p.Lys3973Arg). This variant is not present in population databases (gnomAD no frequency). This missense change has been observed in individual(s) with clinical features of APOB-related conditions (internal data). ClinVar contains an entry for this variant (Variation ID: 1442726). Invitae Evidence Modeling of protein sequence and biophysical properties (such as structural, functional, and spatial information, amino acid conservation, physicochemical variation, residue mobility, and thermodynamic stability) indicates that this missense variant is not expected to disrupt APOB protein function with a negative predictive value of 95%. In summary, the available evidence is currently insufficient to determine the role of this variant in disease. Therefore, it has been classified as a Variant of Uncertain Significance.